The following is an entry in ClinVar:

NM_173076.3(ABCA12):c.*790A>G

Genes: ABCA12 (ATP binding cassette subfamily A member 12; minus strand), SNHG31 (small nucleolar RNA host gene 31; plus strand). Cytogenetic location: 2q35.
Variant type: single nucleotide variant.
Coding change: c.*790A>G on transcript NM_173076.3 (MANE Select); 790 bases downstream of the stop codon, A replaced by G.
Molecular consequence: 3 prime UTR variant. On other transcripts: non-coding transcript variant (1).
Genome position (GRCh38, 1-based): chr2:214,931,844, T>C on the plus strand (A>G on the coding strand, the complement: ABCA12 is on the minus strand). VCF-style: chr2-214931844-T-C. GRCh37 (hg19) VCF-style: chr2-215796568-T-C.
Other names: c.*790A>G (NM_015657.4).
Identifiers: ClinVar variation 334208 (VCV000334208.6), dbSNP rs12694349, ClinGen allele CA10614221.

ClinVar aggregate classification (germline): Benign. Review status: criteria provided, multiple submitters, no conflicts (2 of 4 stars). 2 submissions from 2 submitters: Benign (2). Last evaluated 2018-01-12.

Conditions:
Congenital ichthyosis of skin. Identifiers: MedGen C0020758.

Allele frequency attached by ClinVar (database versions not stated): gnomAD 0.59046 and 0.59569; 1000 Genomes Project 0.59385; 1000 Genomes Project 30x 0.60228; TOPMed 0.60425; gnomAD exomes 0.46053.
gnomAD v4.1: 89,748 of 152,062 alleles (59%); highest among the groups gnomAD compares: African/African-American, 81%; 27,983 homozygotes.

Submissions (2):

Illumina Laboratory Services, Illumina
Classification: Benign for Congenital ichthyosis of skin. Last evaluated: 2018-01-12. Review status: criteria provided, single submitter. Criteria: ICSL Variant Classification Criteria 13 December 2019. Collection method: clinical testing. Allele origin: germline.
Comment: This variant was observed in the ICSL laboratory as part of a predisposition screen in an ostensibly healthy population. It had not been previously curated by ICSL or reported in the Human Gene Mutation Database (HGMD: prior to June 1st, 2018), and was therefore a candidate for classification through an automated scoring system. Utilizing variant allele frequency, disease prevalence and penetrance estimates, and inheritance mode, an automated score was calculated to assess if this variant is too frequent to cause the disease. Based on the score and internal cut-off values, a variant classified as benign is not then subjected to further curation. The score for this variant resulted in a classification of benign for this disease.

Breakthrough Genomics
Classification: Benign. Review status: criteria provided, single submitter. Criteria: ACMG Guidelines, 2015. Collection method: not provided. Allele origin: germline. Inheritance: Autosomal recessive inheritance. Affected: yes.